The following is an entry in ClinVar:

ClinVar aggregate classification (germline): Conflicting classifications of pathogenicity. Review status: criteria provided, conflicting classifications (1 of 4 stars). 2 submissions from 2 submitters: Uncertain significance (1); Likely benign (1). Last evaluated 2022-03-23.

Conditions:
Long QT syndrome (LQTS). Identifiers: MedGen C0023976, MeSH D008133, MONDO:0002442. Disease mechanism: loss of function. Inheritance: Various modes of inheritance.
Cardiovascular phenotype. Identifiers: MedGen CN230736.

Allele frequency attached by ClinVar (database versions not stated): gnomAD exomes below 0.00001.
gnomAD v4.1: 6 of 1,614,084 alleles (0.00037%); highest among the groups gnomAD compares: Non-Finnish European, 0.00051%; no homozygotes.

Submissions (2):

Labcorp Genetics (formerly Invitae), Labcorp
Classification: Uncertain significance for Long QT syndrome. Last evaluated: 2022-03-23. Review status: criteria provided, single submitter. Criteria: Invitae Variant Classification Sherloc (09022015). Collection method: clinical testing. Allele origin: germline.
Comment: Algorithms developed to predict the effect of missense changes on protein structure and function (SIFT, PolyPhen-2, Align-GVGD) all suggest that this variant is likely to be tolerated. In summary, the available evidence is currently insufficient to determine the role of this variant in disease. Therefore, it has been classified as a Variant of Uncertain Significance. ClinVar contains an entry for this variant (Variation ID: 964095). This variant has not been reported in the literature in individuals affected with ANK2-related conditions. This variant is not present in population databases (gnomAD no frequency). This sequence change replaces glutamic acid, which is acidic and polar, with lysine, which is basic and polar, at codon 2755 of the ANK2 protein (p.Glu2755Lys).

Ambry Genetics
Classification: Likely benign for Cardiovascular phenotype. Last evaluated: 2019-08-19. Review status: criteria provided, single submitter. Criteria: Ambry Variant Classification Scheme 2023. Collection method: clinical testing. Allele origin: germline.

NM_001148.6(ANK2):c.8263G>A (p.Glu2755Lys)

Gene: ANK2 (ankyrin 2; plus strand). Cytogenetic location: 4q26.
Variant type: single nucleotide variant.
Coding change: c.8263G>A on transcript NM_001148.6 (MANE Select); coding-DNA position 8263, G replaced by A.
Protein change: p.Glu2755Lys; replaces glutamic acid 2755 with lysine.
Molecular consequence: missense variant. On other transcripts: intron variant (68).
Genome position (GRCh38, 1-based): chr4:113,356,881, G>A. VCF-style: chr4-113356881-G-A. GRCh37 (hg19) VCF-style: chr4-114278037-G-A.
Other names: c.8029G>A, p.Glu2677Lys (NM_001386142.1); c.4663G>A, p.Glu1555Lys (NM_001386166.1); c.8404G>A, p.Glu2802Lys (NM_001386174.1); c.8380G>A, p.Glu2794Lys (NM_001386175.1); c.4412-3942G>A (NM_001386186.2, NM_001386148.2); c.4214-3942G>A (NM_001354269.3); c.4292-3942G>A (NM_001386187.2); c.4253-3942G>A (NM_001386147.1); and 35 more; short protein forms E2755K, E1555K, E2677K, E2794K, E2802K.
Identifiers: ClinVar variation 964095 (VCV000964095.8), dbSNP rs2095817122, ClinGen allele CA357933587.